The following is an entry in ClinVar:

NM_001267550.2(TTN):c.64098del (p.Glu21366fs)

Genes: TTN (titin; minus strand), TTN-AS1 (TTN antisense RNA 1; plus strand). Cytogenetic location: 2q31.2.
Variant type: Deletion.
Coding change: c.64098del on transcript NM_001267550.2 (MANE Select); coding-DNA position 64098, one base deleted (G; older notation c.64098delG).
Protein change: p.Glu21366fs; shifts the reading frame from glutamic acid 21366.
Molecular consequence: frameshift variant.
Genome position (GRCh38, 1-based): chr2:178,586,803, C deleted on the plus strand (G on the coding strand, the reverse complement: TTN is on the minus strand). VCF-style (leftmost placement, unchanged base first): chr2-178586802-GC-G. GRCh37 (hg19) VCF-style: chr2-179451529-GC-G.
Other names: c.59175del, p.Glu19725fs (NM_001256850.1); c.36903del, p.Glu12301fs (NM_003319.4); c.56394del, p.Glu18798fs (NM_133378.4); c.37278del, p.Glu12426fs (NM_133432.3); c.37479del, p.Glu12493fs (NM_133437.4); short protein forms E18798fs, E12301fs, E12426fs, E12493fs, E19725fs, E21366fs.
Identifiers: ClinVar variation 636855 (VCV000636855.6), dbSNP rs1576018303, ClinGen allele CA915942218.

ClinVar aggregate classification (germline): Likely pathogenic. Review status: criteria provided, multiple submitters, no conflicts (2 of 4 stars). 3 submissions from 3 submitters: Likely pathogenic (3). Last evaluated 2024-11-27.

Conditions:
TTN-related disorder. Also called: TTN-related condition; TTN-related disease; TTN-related disorders.
Dilated cardiomyopathy 1G (CMD1G). Identifiers: Orphanet 154, MedGen C1858763, MONDO:0011400, OMIM 604145.
Autosomal recessive limb-girdle muscular dystrophy type 2J (LGMDR10). Also called: Limb-girdle muscular dystrophy, type 2J; MUSCULAR DYSTROPHY, LIMB-GIRDLE, AUTOSOMAL RECESSIVE 10. Identifiers: Orphanet 140922, MedGen C1837342, MONDO:0012127, OMIM 608807.
Cardiomyopathy (CMYO). Also called: Cardiomyopathies. Identifiers: Orphanet 167848, MedGen C0878544, MONDO:0004994, HP:0001638. Inheritance: Various modes of inheritance.

Allele frequency attached by ClinVar (database versions not stated): gnomAD exomes below 0.00001.

Submissions (3):

Labcorp Genetics (formerly Invitae), Labcorp
Classification: Likely pathogenic for Dilated cardiomyopathy 1G; Autosomal recessive limb-girdle muscular dystrophy type 2J. Last evaluated: 2024-11-27. Review status: criteria provided, single submitter. Criteria: Invitae Variant Classification Sherloc (09022015). Collection method: clinical testing. Allele origin: germline.
Comment: This sequence change creates a premature translational stop signal (p.Glu21366Aspfs*8) in the TTN gene. While this is not anticipated to result in nonsense mediated decay, it is expected to create a truncated TTN protein. This variant is not present in population databases (gnomAD no frequency). This variant has not been reported in the literature in individuals affected with TTN-related conditions. ClinVar contains an entry for this variant (Variation ID: 636855). This variant is located in the A band of TTN (PMID: 25589632). Truncating variants in this region are significantly overrepresented in patients affected with dilated cardiomyopathy (PMID: 25589632). Truncating variants in this region have also been reported in individuals affected with autosomal recessive centronuclear myopathy (PMID: 23975875). In summary, the currently available evidence indicates that the variant is pathogenic, but additional data are needed to prove that conclusively. Therefore, this variant has been classified as Likely Pathogenic.

CHEO Genetics Diagnostic Laboratory, Children's Hospital of Eastern Ontario
Classification: Likely pathogenic for Cardiomyopathy. Last evaluated: 2021-12-08. Review status: criteria provided, single submitter. Criteria: ACMG Guidelines, 2015. Collection method: clinical testing. Allele origin: germline.

Blueprint Genetics
Classification: Likely pathogenic for TTN-related disorders. Last evaluated: 2018-11-16. Review status: criteria provided, single submitter. Criteria: ACMG Guidelines, 2015. Collection method: clinical testing. Allele origin: germline. Affected: yes. Observed: 1 variant allele.

Literature cited by the submitters: PubMed 25589632 (cited by Labcorp Genetics (formerly Invitae), Labcorp); PubMed 23975875 (cited by Labcorp Genetics (formerly Invitae), Labcorp).